The following is an entry in ClinVar:

NM_014384.3(ACAD8):c.1223T>C (p.Ile408Thr)

Gene: ACAD8 (acyl-CoA dehydrogenase family member 8; plus strand). Cytogenetic location: 11q25.
Variant type: single nucleotide variant.
Coding change: c.1223T>C on transcript NM_014384.3 (MANE Select); coding-DNA position 1223, T replaced by C.
Protein change: p.Ile408Thr; replaces isoleucine 408 with threonine.
Molecular consequence: missense variant.
Genome position (GRCh38, 1-based): chr11:134,264,935, T>C. VCF-style: chr11-134264935-T-C. GRCh37 (hg19) VCF-style: chr11-134134829-T-C.
Other names: short protein forms I408T.
Identifiers: ClinVar variation 3670189 (VCV003670189.2).

ClinVar aggregate classification (germline): Uncertain significance (1 of 4 stars; one submission).

Conditions:
Deficiency of isobutyryl-CoA dehydrogenase. Also called: ACAD8 DEFICIENCY; ACYL-CoA DEHYDROGENASE FAMILY, MEMBER 8, DEFICIENCY OF; IBD DEFICIENCY. Identifiers: Orphanet 79159, MedGen C1969809, MONDO:0012648, OMIM 611283.

gnomAD v4.1: 4 of 1,614,104 alleles (0.00025%); highest among the groups gnomAD compares: African/African-American, 0.0027%; no homozygotes.

Submission:

Labcorp Genetics (formerly Invitae), Labcorp
Classification: Uncertain significance for Deficiency of isobutyryl-CoA dehydrogenase. Last evaluated: 2024-06-24. Review status: criteria provided, single submitter. Criteria: Invitae Variant Classification Sherloc (09022015). Collection method: clinical testing. Allele origin: germline.
Comment: This sequence change replaces isoleucine, which is neutral and non-polar, with threonine, which is neutral and polar, at codon 408 of the ACAD8 protein (p.Ile408Thr). This variant is present in population databases (no rsID available, gnomAD 0.0009%). This variant has not been reported in the literature in individuals affected with ACAD8-related conditions. Advanced modeling of protein sequence and biophysical properties (such as structural, functional, and spatial information, amino acid conservation, physicochemical variation, residue mobility, and thermodynamic stability) performed at Invitae indicates that this missense variant is not expected to disrupt ACAD8 protein function with a negative predictive value of 80%. In summary, the available evidence is currently insufficient to determine the role of this variant in disease. Therefore, it has been classified as a Variant of Uncertain Significance.